The following is an entry in ClinVar:

ClinVar aggregate classification (germline): Uncertain significance. Review status: criteria provided, multiple submitters, no conflicts (2 of 4 stars). 6 submissions from 6 submitters: Uncertain significance (5). 1 of the submissions does not count toward it. Last evaluated 2026-10-01.

Conditions:
Fumarase deficiency (FMRD). Also called: Fumarate Hydratase Deficiency; Fumaric aciduria. Identifiers: Orphanet 24, MedGen C0342770, MONDO:0011730, OMIM 606812.
Hereditary cancer-predisposing syndrome. Also called: Hereditary neoplastic syndrome; Neoplastic Syndromes, Hereditary; Hereditary Cancer Syndrome; Tumor predisposition. Identifiers: Orphanet 140162, MedGen C0027672, MeSH D009386, MONDO:0015356.
Hereditary leiomyomatosis and renal cell cancer. Also called: Familial leiomyomatosis; MULTIPLE CUTANEOUS AND UTERINE LEIOMYOMATA 1, WITH OR WITHOUT RENAL CELL CARCINOMA; Multiple cutaneous leiomyomas; FH tumor predisposition syndrome; LEIOMYOMA, MULTIPLE CUTANEOUS; Reed syndrome. Identifiers: Orphanet 523, MedGen C1708350, MONDO:0007888, OMIM 150800, HP:0007437. Disease mechanism: loss of function.

Allele frequency attached by ClinVar (database versions not stated): gnomAD exomes below 0.00001; gnomAD 0.00001; TOPMed 0.00001.
gnomAD v4.1: 4 of 1,613,872 alleles (0.00025%); highest among the groups gnomAD compares: African/African-American, 0.0013%; no homozygotes.

Submissions (6):

St. Jude Molecular Pathology, St. Jude Children's Research Hospital
Classification: Uncertain significance for Hereditary leiomyomatosis and renal cell cancer. Last evaluated: 2026-10-01. Review status: criteria provided, single submitter. Criteria: St. Jude Assertion Criteria 2020. Collection method: clinical testing. Allele origin: germline.
Comment: The FH c.1405G>A p.(Ala469Thr) missense change is absent in gnomAD v2.1.1. The in silico tool REVEL predicts a deleterious effect on protein function, but to our kn owledge this prediction has not been confirmed by functional studies. To our knowledge, this variant has not been reported in the literature in individuals with FH-associated conditions. In summary, the evidence currently available is insufficient to det ermine the clinical significance of this variant. It has therefore been classified as of uncertain significance.

Labcorp Genetics (formerly Invitae), Labcorp
Classification: Uncertain significance. Last evaluated: 2025-03-09. Review status: criteria provided, single submitter. Criteria: Invitae Variant Classification Sherloc (09022015). Collection method: clinical testing. Allele origin: germline.
Comment: This sequence change replaces alanine, which is neutral and non-polar, with threonine, which is neutral and polar, at codon 469 of the FH protein (p.Ala469Thr). This variant is not present in population databases (gnomAD no frequency). This variant has not been reported in the literature in individuals affected with FH-related conditions. ClinVar contains an entry for this variant (Variation ID: 405933). Invitae Evidence Modeling of protein sequence and biophysical properties (such as structural, functional, and spatial information, amino acid conservation, physicochemical variation, residue mobility, and thermodynamic stability) has been performed for this missense variant. However, the output from this modeling did not meet the statistical confidence thresholds required to predict the impact of this variant on FH protein function. In summary, the available evidence is currently insufficient to determine the role of this variant in disease. Therefore, it has been classified as a Variant of Uncertain Significance.

Ambry Genetics
Classification: Uncertain significance for Hereditary cancer-predisposing syndrome. Last evaluated: 2024-11-05. Review status: criteria provided, single submitter. Criteria: Ambry Variant Classification Scheme 2023. Collection method: clinical testing. Allele origin: germline.
Comment: The p.A469T variant (also known as c.1405G>A), located in coding exon 10 of the FH gene, results from a G to A substitution at nucleotide position 1405. The alanine at codon 469 is replaced by threonine, an amino acid with similar properties. This amino acid position is highly conserved in available vertebrate species. In addition, this alteration is predicted to be deleterious by in silico analysis. Based on the available evidence, the clinical significance of this variant remains unclear.

Baylor Genetics
Classification: Uncertain significance for Fumarase deficiency. Last evaluated: 2024-03-05. Review status: criteria provided, single submitter. Criteria: ACMG Guidelines, 2015. Collection method: clinical testing. Allele origin: unknown.

GeneDx
Classification: Uncertain significance. Last evaluated: 2024-01-04. Review status: criteria provided, single submitter. Criteria: GeneDx Variant Classification Process June 2021. Collection method: clinical testing. Allele origin: germline. Affected: yes.
Comment: Not observed at significant frequency in large population cohorts (gnomAD); In silico analysis supports that this missense variant has a deleterious effect on protein structure/function; Has not been previously published as pathogenic or benign to our knowledge

Natera, Inc.
Classification: Uncertain significance for Fumarase Deficiency. Last evaluated: 2021-03-10. Review status: no assertion criteria provided. Collection method: clinical testing. Allele origin: germline. Not counted in ClinVar's aggregate classification.

NM_000143.4(FH):c.1405G>A (p.Ala469Thr)

Gene: FH (fumarate hydratase; minus strand). Cytogenetic location: 1q43.
Variant type: single nucleotide variant.
Coding change: c.1405G>A on transcript NM_000143.4 (MANE Select); coding-DNA position 1405, G replaced by A.
Protein change: p.Ala469Thr; replaces alanine 469 with threonine.
Molecular consequence: missense variant.
Genome position (GRCh38, 1-based): chr1:241,497,956, C>T on the plus strand (G>A on the coding strand, the complement: FH is on the minus strand). VCF-style: chr1-241497956-C-T. GRCh37 (hg19) VCF-style: chr1-241661256-C-T.
Other names: short protein forms A469T.
Identifiers: ClinVar variation 405933 (VCV000405933.15), dbSNP rs1060500906, ClinGen allele CA16610027.